The following is an entry in ClinVar:

NM_000179.3(MSH6):c.674T>A (p.Ile225Asn)

Gene: MSH6 (mutS homolog 6; plus strand). Cytogenetic location: 2p16.3.
Variant type: single nucleotide variant.
Coding change: c.674T>A on transcript NM_000179.3 (MANE Select); coding-DNA position 674, T replaced by A.
Protein change: p.Ile225Asn; replaces isoleucine 225 with asparagine.
Molecular consequence: missense variant. On other transcripts: 5 prime UTR variant (9), non-coding transcript variant (4), intron variant (1).
Genome position (GRCh38, 1-based): chr2:47,798,657, T>A. VCF-style: chr2-47798657-T-A. GRCh37 (hg19) VCF-style: chr2-48025796-T-A.
Other names: c.284T>A, p.Ile95Asn (NM_001281492.2); c.-233T>A (NM_001281493.2, NM_001281494.2, NM_001406811.1 and 6 more transcripts); c.770T>A, p.Ile257Asn (NM_001406795.1, NM_001406802.1); c.674T>A, p.Ile225Asn (NM_001406796.1, NM_001406798.1, NM_001406800.1 and 4 more transcripts); c.377T>A, p.Ile126Asn (NM_001406797.1, NM_001406801.1, NM_001406805.1 and 10 more transcripts); c.149T>A, p.Ile50Asn (NM_001406799.1, NM_001406806.1, NM_001406807.1); c.596T>A, p.Ile199Asn (NM_001406804.1); c.680T>A, p.Ile227Asn (NM_001406813.1); and 2 more; short protein forms I126N, I169N, I199N, I225N, I227N, I257N, I50N, I95N.
Identifiers: ClinVar variation 4800189 (VCV004800189.1).

ClinVar aggregate classification (germline): Uncertain significance (1 of 4 stars; one submission).

Conditions:
Hereditary nonpolyposis colorectal neoplasms. Identifiers: MedGen C0009405, MeSH D003123.

Submission:

Labcorp Genetics (formerly Invitae), Labcorp
Classification: Uncertain significance for Hereditary nonpolyposis colorectal neoplasms. Last evaluated: 2025-12-16. Review status: criteria provided, single submitter. Criteria: Invitae Variant Classification Sherloc (09022015). Collection method: clinical testing. Allele origin: germline.
Comment: This sequence change replaces isoleucine, which is neutral and non-polar, with asparagine, which is neutral and polar, at codon 225 of the MSH6 protein (p.Ile225Asn). This variant is not present in population databases (gnomAD no frequency). This variant has not been reported in the literature in individuals affected with MSH6-related conditions. Invitae Evidence Modeling of protein sequence and biophysical properties (such as structural, functional, and spatial information, amino acid conservation, physicochemical variation, residue mobility, and thermodynamic stability) indicates that this missense variant is not expected to disrupt MSH6 protein function with a negative predictive value of 95%. In summary, the available evidence is currently insufficient to determine the role of this variant in disease. Therefore, it has been classified as a Variant of Uncertain Significance.